The following is an entry in ClinVar:

NM_003737.4(DCHS1):c.125G>A (p.Gly42Asp)

Gene: DCHS1 (dachsous cadherin-related 1; minus strand). Cytogenetic location: 11p15.4.
Variant type: single nucleotide variant.
Coding change: c.125G>A on transcript NM_003737.4 (MANE Select); coding-DNA position 125, G replaced by A.
Protein change: p.Gly42Asp; replaces glycine 42 with aspartic acid.
Molecular consequence: missense variant.
Genome position (GRCh38, 1-based): chr11:6,641,489, C>T on the plus strand (G>A on the coding strand, the complement: DCHS1 is on the minus strand). VCF-style: chr11-6641489-C-T. GRCh37 (hg19) VCF-style: chr11-6662720-C-T.
Other names: short protein forms G42D.
Identifiers: ClinVar variation 3666881 (VCV003666881.2).

ClinVar aggregate classification (germline): Uncertain significance (1 of 4 stars; one submission).

Submission:

Labcorp Genetics (formerly Invitae), Labcorp
Classification: Uncertain significance. Last evaluated: 2024-12-14. Review status: criteria provided, single submitter. Criteria: Invitae Variant Classification Sherloc (09022015). Collection method: clinical testing. Allele origin: germline.
Comment: This sequence change replaces glycine, which is neutral and non-polar, with aspartic acid, which is acidic and polar, at codon 42 of the DCHS1 protein (p.Gly42Asp). This variant is not present in population databases (gnomAD no frequency). This variant has not been reported in the literature in individuals affected with DCHS1-related conditions. Invitae Evidence Modeling of protein sequence and biophysical properties (such as structural, functional, and spatial information, amino acid conservation, physicochemical variation, residue mobility, and thermodynamic stability) indicates that this missense variant is not expected to disrupt DCHS1 protein function with a negative predictive value of 80%. In summary, the available evidence is currently insufficient to determine the role of this variant in disease. Therefore, it has been classified as a Variant of Uncertain Significance.